The following is an entry in ClinVar:

NM_001013838.3(CARMIL2):c.3964C>T (p.Pro1322Ser)

Gene: CARMIL2 (capping protein regulator and myosin 1 linker 2; plus strand). Cytogenetic location: 16q22.1.
Variant type: single nucleotide variant.
Coding change: c.3964C>T on transcript NM_001013838.3 (MANE Select); coding-DNA position 3964, C replaced by T.
Protein change: p.Pro1322Ser; replaces proline 1322 with serine.
Molecular consequence: missense variant.
Genome position (GRCh38, 1-based): chr16:67,656,573, C>T. VCF-style: chr16-67656573-C-T. GRCh37 (hg19) VCF-style: chr16-67690476-C-T.
Other names: c.3856C>T, p.Pro1286Ser (NM_001317026.3); short protein forms P1322S, P1286S.
Identifiers: ClinVar variation 2105871 (VCV002105871.4), dbSNP rs2052861477, ClinGen allele CA396348509.
Genomic context (GRCh38, chr16:67,656,573, plus strand): 5'-AGCCGTGGTTGGGGCCAACAGGATGGTCCAGGCCCTCCCTCCCCTGGTCAAAGCCCAAGT[C>T]CCTGCAGAACCAGCCCCTCCCCAGACAGCCTGGGCCTCCCAGAGGACCCTTGCTTGGGCC-3'
Protein context (NP_001013860.1, residues 1312-1332): GPPSPGQSPS[Pro1322Ser]CRTSPSPDSL

ClinVar aggregate classification (germline): Uncertain significance (1 of 4 stars; one submission).

Allele frequency attached by ClinVar (database versions not stated): gnomAD exomes 0.00001.
gnomAD v4.1: 6 of 1,612,868 alleles (0.00037%); highest among the groups gnomAD compares: Non-Finnish European, 0.00051%; no homozygotes.

Submission:

Labcorp Genetics (formerly Invitae), Labcorp
Classification: Uncertain significance. Last evaluated: 2024-02-23. Review status: criteria provided, single submitter. Criteria: Invitae Variant Classification Sherloc (09022015). Collection method: clinical testing. Allele origin: germline.
Comment: This sequence change replaces proline, which is neutral and non-polar, with serine, which is neutral and polar, at codon 1322 of the CARMIL2 protein (p.Pro1322Ser). This variant is not present in population databases (gnomAD no frequency). This variant has not been reported in the literature in individuals affected with CARMIL2-related conditions. ClinVar contains an entry for this variant (Variation ID: 2105871). Advanced modeling of protein sequence and biophysical properties (such as structural, functional, and spatial information, amino acid conservation, physicochemical variation, residue mobility, and thermodynamic stability) performed at Invitae indicates that this missense variant is not expected to disrupt CARMIL2 protein function with a negative predictive value of 80%. In summary, the available evidence is currently insufficient to determine the role of this variant in disease. Therefore, it has been classified as a Variant of Uncertain Significance.